The following is an entry in ClinVar:

ClinVar aggregate classification (germline): Likely benign (0 of 4 stars; one submission).

Conditions:
TBX3-related disorder. Also called: TBX3-related condition.

gnomAD v4.1: 4 of 1,614,074 alleles (0.00025%); highest among the groups gnomAD compares: African/African-American, 0.0013%; no homozygotes.

Submission:

PreventionGenetics, part of Exact Sciences
Classification: Likely benign for TBX3-related condition. Last evaluated: 2021-10-19. Review status: no assertion criteria provided. Collection method: clinical testing. Allele origin: germline.
Comment: This variant is classified as likely benign based on ACMG/AMP sequence variant interpretation guidelines (Richards et al. 2015 PMID: 25741868, with internal and published modifications).

NM_005996.4(TBX3):c.804+6C>T

Gene: TBX3 (T-box transcription factor 3; minus strand). Cytogenetic location: 12q24.21.
Variant type: single nucleotide variant.
Coding change: c.804+6C>T on transcript NM_005996.4 (MANE Select); 6 bases into the intron after coding-DNA position 804, C replaced by T.
Molecular consequence: intron variant.
Genome position (GRCh38, 1-based): chr12:114,679,499, G>A on the plus strand (C>T on the coding strand, the complement: TBX3 is on the minus strand). VCF-style: chr12-114679499-G-A. GRCh37 (hg19) VCF-style: chr12-115117304-G-A.
Other names: c.864+6C>T (NM_016569.4).
Identifiers: ClinVar variation 3355045 (VCV003355045.1).